The following is an entry in ClinVar:

ClinVar aggregate classification (germline): Uncertain significance. Review status: criteria provided, multiple submitters, no conflicts (2 of 4 stars). 6 submissions from 6 submitters: Uncertain significance (2). 4 of the submissions do not count toward it. Last evaluated 2026-09-21.

Conditions:
Cardiovascular phenotype. Identifiers: MedGen CN230736.

Submissions (6):

Molecular Diagnostic Laboratory for Inherited Cardiovascular Disease, Montreal Heart Institute
Classification: Uncertain significance for Cardiovascular phenotype. Last evaluated: 2026-09-21. Review status: criteria provided, single submitter. Criteria: ACMG Guidelines, 2015. Collection method: clinical testing. Allele origin: germline. Affected: yes.
Comment: PM2, PM4

Ambry Genetics
Classification: Uncertain significance for Cardiovascular phenotype. Last evaluated: 2025-05-03. Review status: criteria provided, single submitter. Criteria: Ambry Variant Classification Scheme 2023. Collection method: clinical testing. Allele origin: germline.
Comment: The c.11917_11919delGAA variant (also known as p.E3973del), located in coding exon 44 of the TTN gene, results from an in-frame GAA deletion at nucleotide positions 11917 to 11919. This results in the in-frame deletion of a glutamic acid at codon 3973. This amino acid position is highly conserved in available vertebrate species. In addition, this alteration is predicted to be deleterious by in silico analysis (Choi Y et al. PLoS ONE. 2012; 7(10):e46688). Based on the available evidence, the clinical significance of this variant remains unclear.

Clinical Genetics DNA and cytogenetics Diagnostics Lab, Erasmus MC, Erasmus Medical Center
Classification: Uncertain significance. Review status: no assertion criteria provided. Collection method: clinical testing. Allele origin: germline. Affected: yes. Study: VKGL Data-share Consensus. Not counted in ClinVar's aggregate classification.

Clinical Genetics, Academic Medical Center
Classification: Uncertain significance. Review status: no assertion criteria provided. Collection method: clinical testing. Allele origin: germline. Affected: yes. Study: VKGL Data-share Consensus. Not counted in ClinVar's aggregate classification.

Genome Diagnostics Laboratory, University Medical Center Utrecht
Classification: Uncertain significance. Review status: no assertion criteria provided. Collection method: clinical testing. Allele origin: germline. Affected: yes. Study: VKGL Data-share Consensus. Not counted in ClinVar's aggregate classification.

Joint Genome Diagnostic Labs from Nijmegen and Maastricht, Radboudumc and MUMC+
Classification: Uncertain significance. Review status: no assertion criteria provided. Collection method: clinical testing. Allele origin: germline. Affected: yes. Study: VKGL Data-share Consensus. Not counted in ClinVar's aggregate classification.

NM_001267550.2(TTN):c.13003GAA[1] (p.Glu4336del)

Gene: TTN (titin; minus strand). Cytogenetic location: 2q31.2.
Variant type: Microsatellite.
Coding change: c.13003GAA[1] on transcript NM_001267550.2 (MANE Select); one copy of the 3-base unit GAA starting at c.13003; the reference has two copies in a row; one copy, 3 bases deleted; also written c.13006_13008del.
Protein change: p.Glu4336del; deletes glutamic acid 4336.
Molecular consequence: inframe deletion. On other transcripts: intron variant (1).
Genome position (GRCh38, 1-based): chr2:178,740,225-178,740,227, TTC deleted on the plus strand (GAA on the coding strand, the reverse complement: TTN is on the minus strand); deleting any 3 consecutive bases within chr2:178,740,225-178,740,230 gives the same sequence; the position shown is the placement nearest the transcript's 3' end. VCF-style (leftmost placement, unchanged base first): chr2-178740224-TTTC-T. GRCh37 (hg19) VCF-style: chr2-179604951-TTTC-T.
Other names: c.13006_13008del (NM_001267550.2); c.12052GAA[1], p.Glu4019del (NM_001256850.1); c.11914GAA[1], p.Glu3973del (NM_003319.4); c.12289GAA[1], p.Glu4098del (NM_133432.3); c.12490GAA[1], p.Glu4165del (NM_133437.4); c.10361-1867_10361-1865del (NM_133378.4); c.11917_11919delGAA (NM_003319.4); short protein forms E3973del, E4019del, E4098del, E4165del, E4336del.
Identifiers: ClinVar variation 1284782 (VCV001284782.7), dbSNP rs1481572021, ClinGen allele CA538437884.